The following is an entry in ClinVar:

NM_001369268.1(ACAN):c.4709C>T (p.Pro1570Leu)

Gene: ACAN (aggrecan; plus strand). Cytogenetic location: 15q26.1.
Variant type: single nucleotide variant.
Coding change: c.4709C>T on transcript NM_001369268.1 (MANE Select); coding-DNA position 4709, C replaced by T.
Protein change: p.Pro1570Leu; replaces proline 1570 with leucine.
Molecular consequence: missense variant.
Genome position (GRCh38, 1-based): chr15:88,857,294, C>T. VCF-style: chr15-88857294-C-T. GRCh37 (hg19) VCF-style: chr15-89400525-C-T.
Other names: c.4709C>T (NM_013227.3); c.4709C>T, p.Pro1570Leu (NM_001135.4, NM_001411096.1, NM_001411097.1 and 1 more transcripts); short protein forms P1570L.
Identifiers: ClinVar variation 3896678 (VCV003896678.3).

ClinVar aggregate classification (germline): Uncertain significance. Review status: criteria provided, multiple submitters, no conflicts (2 of 4 stars). 2 submissions from 2 submitters: Uncertain significance (2). Last evaluated 2025-09-25.

Conditions:
Inborn genetic diseases. Identifiers: MedGen C0950123, MeSH D030342.

gnomAD v4.1: 30 of 1,613,584 alleles (0.0019%); highest among the groups gnomAD compares: African/African-American, 0.032%; no homozygotes.

Submissions (2):

Ambry Genetics
Classification: Uncertain significance for Inborn genetic diseases. Last evaluated: 2025-09-25. Review status: criteria provided, single submitter. Criteria: Ambry Variant Classification Scheme 2023. Collection method: clinical testing. Allele origin: germline.

Women's Health and Genetics/Laboratory Corporation of America, LabCorp
Classification: Uncertain significance. Last evaluated: 2025-04-23. Review status: criteria provided, single submitter. Criteria: LabCorp Variant Classification Summary - May 2015. Collection method: clinical testing. Allele origin: germline.
Comment: Variant summary: ACAN c.4709C>T (p.Pro1570Leu) results in a non-conservative amino acid change in the encoded protein sequence. Three of five in-silico tools predict a damaging effect of the variant on protein function. The variant allele was found at a frequency of 2e-05 in 249212 control chromosomes. The available data on variant occurrences in the general population are insufficient to allow any conclusion about variant significance. To our knowledge, no occurrence of c.4709C>T in individuals affected with ACAN-Related Disorders and no experimental evidence demonstrating its impact on protein function have been reported. No submitters have cited clinical-significance assessments for this variant to ClinVar. Based on the evidence outlined above, the variant was classified as uncertain significance.